The following is an entry in ClinVar:

NM_001142864.4(PIEZO1):c.4955+7dup

Gene: PIEZO1 (piezo type mechanosensitive ion channel component 1 (Er blood group); minus strand). Cytogenetic location: 16q24.3.
Variant type: Duplication.
Coding change: c.4955+7dup on transcript NM_001142864.4 (MANE Select); 7 bases into the intron after coding-DNA position 4955, one base duplicated (G; older notation c.4955+7dupG).
Molecular consequence: intron variant.
Genome position (GRCh38, 1-based): chr16:88,722,211, C duplicated on the plus strand (G on the coding strand, the reverse complement: PIEZO1 is on the minus strand); the first of 5 consecutive C bases (chr16:88,722,211-88,722,215); duplicating any one gives the same sequence. VCF-style (leftmost placement, unchanged base first): chr16-88722210-G-GC. GRCh37 (hg19) VCF-style: chr16-88788618-G-GC.
Identifiers: ClinVar variation 3050617 (VCV003050617.2), dbSNP rs1904284568, ClinGen allele CA2241248197.

ClinVar aggregate classification (germline): Likely benign (0 of 4 stars; one submission).

Conditions:
PIEZO1-related disorder. Also called: PIEZO1-related condition; PIEZO1-Related Disorders.

Submission:

PreventionGenetics, part of Exact Sciences
Classification: Likely benign for PIEZO1-related condition. Last evaluated: 2023-06-08. Review status: no assertion criteria provided. Collection method: clinical testing. Allele origin: germline.
Comment: This variant is classified as likely benign based on ACMG/AMP sequence variant interpretation guidelines (Richards et al. 2015 PMID: 25741868, with internal and published modifications).